The following is an entry in ClinVar:

ClinVar aggregate classification (germline): Uncertain significance (1 of 4 stars; one submission).

gnomAD v4.1: 1 of 1,613,366 alleles (0.000062%); highest among the groups gnomAD compares: South Asian, 0.0011%; no homozygotes.

Submission:

Women's Health and Genetics/Laboratory Corporation of America, LabCorp
Classification: Uncertain significance. Last evaluated: 2024-06-06. Review status: criteria provided, single submitter. Criteria: LabCorp Variant Classification Summary - May 2015. Collection method: clinical testing. Allele origin: germline.
Comment: Variant summary: DCHS1 c.6449G>A (p.Gly2150Glu) results in a non-conservative amino acid change located in the Cadherin-like domain (IPR002126) of the encoded protein sequence. Three of five in-silico tools predict a damaging effect of the variant on protein function. The variant was absent in 249474 control chromosomes. The available data on variant occurrences in the general population are insufficient to allow any conclusion about variant significance. To our knowledge, no occurrence of c.6449G>A in individuals affected with DCHS1-Related Disorders and no experimental evidence demonstrating its impact on protein function have been reported. No submitters have cited clinical-significance assessments for this variant to ClinVar. Based on the evidence outlined above, the variant was classified as uncertain significance.

NM_003737.4(DCHS1):c.6449G>A (p.Gly2150Glu)

Gene: DCHS1 (dachsous cadherin-related 1; minus strand). Cytogenetic location: 11p15.4.
Variant type: single nucleotide variant.
Coding change: c.6449G>A on transcript NM_003737.4 (MANE Select); coding-DNA position 6449, G replaced by A.
Protein change: p.Gly2150Glu; replaces glycine 2150 with glutamic acid.
Molecular consequence: missense variant.
Genome position (GRCh38, 1-based): chr11:6,626,296, C>T on the plus strand (G>A on the coding strand, the complement: DCHS1 is on the minus strand). VCF-style: chr11-6626296-C-T. GRCh37 (hg19) VCF-style: chr11-6647527-C-T.
Other names: short protein forms G2150E.
Identifiers: ClinVar variation 3339728 (VCV003339728.1).